The following is an entry in ClinVar:

NM_000297.4(PKD2):c.843+2T>C

Gene: PKD2 (polycystin 2, transient receptor potential cation channel; plus strand). Cytogenetic location: 4q22.1.
Variant type: single nucleotide variant.
Coding change: c.843+2T>C on transcript NM_000297.4 (MANE Select); the canonical splice donor site of the intron after coding-DNA position 843, T replaced by C.
Molecular consequence: splice donor variant.
Genome position (GRCh38, 1-based): chr4:88,036,355, T>C. VCF-style: chr4-88036355-T-C. GRCh37 (hg19) VCF-style: chr4-88957507-T-C.
Other names: c.843+2T>C (NM_000297.3, NM_001440544.1).
Identifiers: ClinVar variation 4526510 (VCV004526510.2).

ClinVar aggregate classification (germline): Pathogenic/Likely pathogenic. Review status: criteria provided, multiple submitters, no conflicts (2 of 4 stars). 2 submissions from 2 submitters: Pathogenic (1); Likely pathogenic (1). Last evaluated 2025-09-16.

Conditions:
Polycystic kidney disease 2 (PKD2). Also called: POLYCYSTIC KIDNEY DISEASE, ADULT, TYPE II; Polycystic Kidney Disease 2, Autosomal Dominant; POLYCYSTIC KIDNEY DISEASE 2 WITH OR WITHOUT POLYCYSTIC LIVER DISEASE. Identifiers: MedGen C2751306, MONDO:0013131, OMIM 613095.

Submissions (2):

MVZ Medizinische Genetik Mainz
Classification: Pathogenic for Polycystic kidney disease 2. Last evaluated: 2025-09-16. Review status: criteria provided, single submitter. Criteria: UK Practice Guidelines For Variant Classification V4 01 2020. Collection method: clinical testing. Allele origin: germline. Inheritance: Autosomal dominant inheritance. Affected: yes. Observed: 1 variant allele.
Comment: ACMG Criteria: PVS1,PS1_SUP,PM2_SUP,PP4

Athena Diagnostics
Classification: Likely pathogenic. Last evaluated: 2025-07-02. Review status: criteria provided, single submitter. Criteria: Athena Diagnostics Criteria. Collection method: clinical testing. Allele origin: unknown.
Comment: This variant is expected to severely impact normal RNA splicing, and consequently, protein structure and/or function. This variant has not been reported in large, multi-ethnic general populations.